The following is an entry in ClinVar:

ClinVar aggregate classification (germline): Benign/Likely benign. Review status: criteria provided, multiple submitters, no conflicts (2 of 4 stars). 6 submissions from 6 submitters: Benign (2); Likely benign (3). 1 of the submissions does not count toward it. Last evaluated 2026-05-18.

Conditions:
Cardiomyopathy (CMYO). Also called: Cardiomyopathies. Identifiers: Orphanet 167848, MedGen C0878544, MONDO:0004994, HP:0001638. Inheritance: Various modes of inheritance.
Duchenne muscular dystrophy (DMD). Also called: MUSCULAR DYSTROPHY, PSEUDOHYPERTROPHIC PROGRESSIVE, DUCHENNE TYPE; Duchenne Muscular Dystrophy (DMD). Identifiers: Orphanet 98896, MedGen C0013264, MONDO:0010679, OMIM 310200.
Becker muscular dystrophy (BMD). Also called: Becker Muscular Dystrophy (BMD); MUSCULAR DYSTROPHY, PSEUDOHYPERTROPHIC PROGRESSIVE, BECKER TYPE. Identifiers: Orphanet 98895, MedGen C0917713, MONDO:0010311, OMIM 300376.
Dystrophin deficiency.

Allele frequency attached by ClinVar (database versions not stated): gnomAD exomes 0.00012; gnomAD 0.00025 and 0.00027; ExAC 0.00027; TOPMed 0.00032; 1000 Genomes Project 30x 0.00042; ESP Exome Variant Server 0.00047; 1000 Genomes Project 0.00053.
gnomAD v4.1: 71 of 1,179,258 alleles (0.006%); highest among the groups gnomAD compares: African/African-American, 0.088%; no homozygotes.

Submissions (6):

Women's Health and Genetics/Laboratory Corporation of America, LabCorp
Classification: Benign. Last evaluated: 2026-05-18. Review status: criteria provided, single submitter. Criteria: LabCorp Variant Classification Summary - May 2015. Collection method: clinical testing. Allele origin: germline.

Labcorp Genetics (formerly Invitae), Labcorp
Classification: Benign for Duchenne muscular dystrophy. Last evaluated: 2026-01-28. Review status: criteria provided, single submitter. Criteria: Invitae Variant Classification Sherloc (09022015). Collection method: clinical testing. Allele origin: germline.

GeneDx
Classification: Likely benign. Last evaluated: 2017-11-20. Review status: criteria provided, single submitter. Criteria: GeneDx Variant Classification (06012015). Collection method: clinical testing. Allele origin: germline. Affected: yes.
Comment: This variant is considered likely benign or benign based on one or more of the following criteria: it is a conservative change, it occurs at a poorly conserved position in the protein, it is predicted to be benign by multiple in silico algorithms, and/or has population frequency not consistent with disease.

Eurofins Ntd Llc (ga)
Classification: Likely benign. Last evaluated: 2015-05-14. Review status: criteria provided, single submitter. Criteria: EGL Classification Definitions 2015. Collection method: clinical testing. Allele origin: germline. Observed: 1 variant allele, 1 heterozygote.

Breakthrough Genomics
Classification: Likely benign. Review status: criteria provided, single submitter. Criteria: ACMG Guidelines, 2015. Collection method: not provided. Allele origin: germline. Inheritance: X-linked inheritance. Affected: yes.

Natera, Inc.
Classification: Likely benign for Becker muscular dystrophy; Cardiomyopathy; Duchenne muscular dystrophy; Dystrophin deficiency. Last evaluated: 2020-04-11. Review status: no assertion criteria provided. Collection method: clinical testing. Allele origin: germline. Not counted in ClinVar's aggregate classification.

NM_004006.3(DMD):c.2380+10C>T

Gene: DMD (dystrophin; minus strand). Cytogenetic location: Xp21.1.
Variant type: single nucleotide variant.
Coding change: c.2380+10C>T on transcript NM_004006.3 (MANE Select); 10 bases into the intron after coding-DNA position 2380, C replaced by T.
Molecular consequence: intron variant.
Genome position (GRCh38, 1-based): chrX:32,501,745, G>A on the plus strand (C>T on the coding strand, the complement: DMD is on the minus strand). VCF-style: chrX-32501745-G-A. GRCh37 (hg19) VCF-style: chrX-32519862-G-A.
Other names: c.2356+10C>T (NM_000109.4); c.2368+10C>T (NM_004009.3); c.2011+10C>T (NM_004010.3).
Identifiers: ClinVar variation 194951 (VCV000194951.18), dbSNP rs372330460, ClinGen allele CA201456.